The following is an entry in ClinVar:

NM_014314.4(RIGI):c.1375+1G>A

Gene: RIGI (RNA sensor RIG-I; minus strand). Cytogenetic location: 9p21.1.
Variant type: single nucleotide variant.
Coding change: c.1375+1G>A on transcript NM_014314.4 (MANE Select); the canonical splice donor site of the intron after coding-DNA position 1375, G replaced by A.
Molecular consequence: splice donor variant.
Genome position (GRCh38, 1-based): chr9:32,487,470, C>T on the plus strand (G>A on the coding strand, the complement: RIGI is on the minus strand). VCF-style: chr9-32487470-C-T. GRCh37 (hg19) VCF-style: chr9-32487468-C-T.
Other names: c.766+1G>A (NM_001385912.1); c.1360+1G>A (NM_001385913.1); c.1369+1G>A (NM_001385907.1); c.1375+1G>A (NM_001385909.1); c.931+1G>A (NM_001385914.1); c.934+1G>A (NM_001385910.1).
Identifiers: ClinVar variation 4765193 (VCV004765193.1).

ClinVar aggregate classification (germline): Uncertain significance (1 of 4 stars; one submission).

gnomAD v4.1: 1 of 1,613,538 alleles (0.000062%); highest among the groups gnomAD compares: African/African-American, 0.0013%; no homozygotes.

Submission:

Labcorp Genetics (formerly Invitae), Labcorp
Classification: Uncertain significance. Last evaluated: 2025-08-23. Review status: criteria provided, single submitter. Criteria: Invitae Variant Classification Sherloc (09022015). Collection method: clinical testing. Allele origin: germline.
Comment: This sequence change affects a donor splice site in intron 9 of the DDX58 gene. It is expected to disrupt RNA splicing. Variants that disrupt the donor or acceptor splice site typically lead to a loss of protein function (PMID: 16199547), however the current clinical and genetic evidence is not sufficient to establish whether loss-of-function variants in DDX58 cause disease. This variant is not present in population databases (gnomAD no frequency). This variant has not been reported in the literature in individuals affected with DDX58-related conditions. Algorithms developed to predict the effect of sequence changes on RNA splicing suggest that this variant may disrupt the consensus splice site. In summary, the available evidence is currently insufficient to determine the role of this variant in disease. Therefore, it has been classified as a Variant of Uncertain Significance.

Literature cited by the submitters: PubMed 16199547.